The following is an entry in ClinVar:

NM_000138.5(FBN1):c.8510A>G (p.Tyr2837Cys)

Gene: FBN1 (fibrillin 1; minus strand). Cytogenetic location: 15q21.1.
Variant type: single nucleotide variant.
Coding change: c.8510A>G on transcript NM_000138.5 (MANE Select); coding-DNA position 8510, A replaced by G.
Protein change: p.Tyr2837Cys; replaces tyrosine 2837 with cysteine.
Molecular consequence: missense variant.
Genome position (GRCh38, 1-based): chr15:48,411,096, T>C on the plus strand (A>G on the coding strand, the complement: FBN1 is on the minus strand). VCF-style: chr15-48411096-T-C. GRCh37 (hg19) VCF-style: chr15-48703293-T-C.
Other names: short protein forms Y2837C.
Identifiers: ClinVar variation 915543 (VCV000915543.4), dbSNP rs2042857475, ClinGen allele CA392318745.
Genomic context (GRCh38, chr15:48,411,096, plus strand): 5'-TCACCACTGAGGTAGTCTTTGTCATATTTGTCTTCTAGTTGGTTAAGTTCTTTCTTTTTA[T>C]AAAGTGGAGTACTACTGATTTGTAATGAATAGGTTCCAGCCACTGGCTTCTTCTTTGTGA-3'
Protein context (NP_000129.3, residues 2827-2847): YSLQISSTPL[Tyr2837Cys]KKKELNQLED

ClinVar aggregate classification (germline): Uncertain significance. Review status: criteria provided, multiple submitters, no conflicts (2 of 4 stars). 2 submissions from 2 submitters: Uncertain significance (2). Last evaluated 2025-10-02.

Conditions:
Familial thoracic aortic aneurysm and aortic dissection (TAAD). Also called: Thoracic aortic aneurysms and dissections. Identifiers: Orphanet 91387, MedGen C4707243, MONDO:0019625.
Marfan syndrome (MFS). Also called: Marfan syndrome, classic; Marfan syndrome type 1; Marfan's syndrome; FBN1-Related Marfan Syndrome; MARFAN SYNDROME, TYPE I. Identifiers: Orphanet 284963, Orphanet 558, MedGen C0024796, MONDO:0007947, OMIM 154700.

Submissions (2):

Labcorp Genetics (formerly Invitae), Labcorp
Classification: Uncertain significance for Marfan syndrome; Familial thoracic aortic aneurysm and aortic dissection. Last evaluated: 2025-10-02. Review status: criteria provided, single submitter. Criteria: Invitae Variant Classification Sherloc (09022015). Collection method: clinical testing. Allele origin: germline.
Comment: This sequence change replaces tyrosine, which is neutral and polar, with cysteine, which is neutral and slightly polar, at codon 2837 of the FBN1 protein (p.Tyr2837Cys). This variant is not present in population databases (gnomAD no frequency). This variant has not been reported in the literature in individuals affected with FBN1-related conditions. ClinVar contains an entry for this variant (Variation ID: 915543). Invitae Evidence Modeling of protein sequence and biophysical properties (such as structural, functional, and spatial information, amino acid conservation, physicochemical variation, residue mobility, and thermodynamic stability) has been performed for this missense variant. However, the output from this modeling did not meet the statistical confidence thresholds required to predict the impact of this variant on FBN1 protein function. In summary, the available evidence is currently insufficient to determine the role of this variant in disease. Therefore, it has been classified as a Variant of Uncertain Significance.

CHEO Genetics Diagnostic Laboratory, Children's Hospital of Eastern Ontario
Classification: Uncertain significance for Familial thoracic aortic aneurysm and aortic dissection. Last evaluated: 2018-11-06. Review status: criteria provided, single submitter. Criteria: ACMG Guidelines, 2015. Collection method: clinical testing. Allele origin: germline.